The following is an entry in ClinVar:

NM_176812.5(CHMP4B):c.375C>T (p.Ile125=)

Gene: CHMP4B (charged multivesicular body protein 4B; plus strand). Cytogenetic location: 20q11.22.
Variant type: single nucleotide variant.
Coding change: c.375C>T on transcript NM_176812.5 (MANE Select); coding-DNA position 375, C replaced by T.
Protein change: p.Ile125=; no amino-acid change (isoleucine 125 retained).
Molecular consequence: synonymous variant.
Genome position (GRCh38, 1-based): chr20:33,850,958, C>T. VCF-style: chr20-33850958-C-T. GRCh37 (hg19) VCF-style: chr20-32438764-C-T.
Identifiers: ClinVar variation 4988040 (VCV004988040.1).

ClinVar aggregate classification (germline): Likely benign (1 of 4 stars; one submission).

Conditions:
CHMP4B-related disorder. Also called: CHMP4B-related condition.

gnomAD v4.1: 36 of 1,611,040 alleles (0.0022%); highest among the groups gnomAD compares: South Asian, 0.034%; no homozygotes.

Submission:

PreventionGenetics, part of Exact Sciences
Classification: Likely benign for CHMP4B-related condition. Last evaluated: 2025-10-29. Review status: criteria provided, single submitter. Criteria: ACMG Guidelines, 2015. Collection method: clinical testing. Allele origin: germline.
Comment: This variant is classified as likely benign based on ACMG/AMP sequence variant interpretation guidelines (Richards et al. 2015 PMID: 25741868, with internal and published modifications).